The following is an entry in ClinVar:

NM_032608.7(MYO18B):c.3241C>A (p.Leu1081Ile)

Gene: MYO18B (myosin XVIIIB; plus strand). Cytogenetic location: 22q12.1.
Variant type: single nucleotide variant.
Coding change: c.3241C>A on transcript NM_032608.7 (MANE Select); coding-DNA position 3241, C replaced by A.
Protein change: p.Leu1081Ile; replaces leucine 1081 with isoleucine.
Molecular consequence: missense variant.
Genome position (GRCh38, 1-based): chr22:25,843,767, C>A. VCF-style: chr22-25843767-C-A. GRCh37 (hg19) VCF-style: chr22-26239734-C-A.
Other names: c.3244C>A, p.Leu1082Ile (NM_001318245.2); short protein forms L1082I, L1081I.
Identifiers: ClinVar variation 1497852 (VCV001497852.6), dbSNP rs368601288, ClinGen allele CA10160507.

ClinVar aggregate classification (germline): Uncertain significance (1 of 4 stars; one submission).

Allele frequency attached by ClinVar (database versions not stated): ExAC 0.00001; gnomAD 0.00001; gnomAD exomes 0.00001; TOPMed 0.00002; ESP Exome Variant Server 0.00008.

Submission:

Labcorp Genetics (formerly Invitae), Labcorp
Classification: Uncertain significance. Last evaluated: 2025-10-02. Review status: criteria provided, single submitter. Criteria: Invitae Variant Classification Sherloc (09022015). Collection method: clinical testing. Allele origin: germline.
Comment: This sequence change replaces leucine, which is neutral and non-polar, with isoleucine, which is neutral and non-polar, at codon 1081 of the MYO18B protein (p.Leu1081Ile). This variant is present in population databases (rs368601288, gnomAD 0.002%). This variant has not been reported in the literature in individuals affected with MYO18B-related conditions. ClinVar contains an entry for this variant (Variation ID: 1497852). An algorithm developed to predict the effect of missense changes on protein structure and function (PolyPhen-2) suggests that this variant is likely to be disruptive. In summary, the available evidence is currently insufficient to determine the role of this variant in disease. Therefore, it has been classified as a Variant of Uncertain Significance.